The following is an entry in ClinVar:

ClinVar aggregate classification (germline): Uncertain significance (1 of 4 stars; one submission).

Conditions:
Early-infantile DEE. Also called: Early infantile epileptic encephalopathy with suppression bursts; Early infantile epileptic encephalopathy; Ohtahara syndrome. Identifiers: Orphanet 1934, MedGen C0393706, MONDO:0800491.

Submission:

Labcorp Genetics (formerly Invitae), Labcorp
Classification: Uncertain significance for Early-infantile DEE. Last evaluated: 2021-11-23. Review status: criteria provided, single submitter. Criteria: Invitae Variant Classification Sherloc (09022015). Collection method: clinical testing. Allele origin: germline.
Comment: This sequence change replaces serine, which is neutral and polar, with threonine, which is neutral and polar, at codon 1922 of the SCN8A protein (p.Ser1922Thr). This variant is not present in population databases (gnomAD no frequency). This missense change has been observed in individual(s) with clinical features of SCN8A-related conditions (Invitae). Algorithms developed to predict the effect of missense changes on protein structure and function (SIFT, PolyPhen-2, Align-GVGD) all suggest that this variant is likely to be tolerated. In summary, the available evidence is currently insufficient to determine the role of this variant in disease. Therefore, it has been classified as a Variant of Uncertain Significance.

NM_001330260.2(SCN8A):c.5764T>A (p.Ser1922Thr)

Gene: SCN8A (sodium voltage-gated channel alpha subunit 8; plus strand). Cytogenetic location: 12q13.13.
Variant type: single nucleotide variant.
Coding change: c.5764T>A on transcript NM_001330260.2 (MANE Select); coding-DNA position 5764, T replaced by A.
Protein change: p.Ser1922Thr; replaces serine 1922 with threonine.
Molecular consequence: missense variant.
Genome position (GRCh38, 1-based): chr12:51,807,250, T>A. VCF-style: chr12-51807250-T-A. GRCh37 (hg19) VCF-style: chr12-52201034-T-A.
Other names: c.5641T>A, p.Ser1881Thr (NM_001177984.3, NM_001369788.1); c.5764T>A, p.Ser1922Thr (NM_014191.4); short protein forms S1881T, S1922T.
Identifiers: ClinVar variation 1476350 (VCV001476350.7), dbSNP rs2138944691, ClinGen allele CA384889250.
Genomic context (GRCh38, chr12:51,807,250, plus strand): 5'-CTGCAGCGTGCCTACCGGGGACATTTGGCAAGGCGGGGCTTCATCTGCAAAAAGACAACT[T>A]CTAATAAGCTGGAGAATGGAGGCACACACCGGGAGAAAAAAGAGAGCACCCCATCTACAG-3'
Protein context (NP_001317189.1, residues 1912-1932): RRGFICKKTT[Ser1922Thr]NKLENGGTHR